The following is an entry in ClinVar:

NM_001829.4(CLCN3):c.1185del (p.Leu395_Leu396insTer)

Gene: CLCN3 (Cl-/H+ antiporter 3; plus strand). Cytogenetic location: 4q33.
Variant type: Deletion.
Coding change: c.1185del on transcript NM_001829.4 (MANE Select); coding-DNA position 1185, one base deleted (T; older notation c.1185delT).
Protein change: p.Leu395_Leu396insTer.
Molecular consequence: frameshift variant.
Genome position (GRCh38, 1-based): chr4:169,697,356, T deleted; the last of 2 consecutive T bases (chr4:169,697,355-169,697,356); deleting either gives the same sequence. VCF-style (leftmost placement, unchanged base first): chr4-169697354-CT-C. GRCh37 (hg19) VCF-style: chr4-170618505-CT-C.
Other names: c.1185del, p.Leu395_Leu396insTer (NM_173872.4); c.1104del, p.Leu368_Leu369insTer (NM_001243372.2, NM_001243374.2).
Identifiers: ClinVar variation 4884789 (VCV004884789.1).

ClinVar aggregate classification (germline): Uncertain significance (0 of 4 stars; one submission).

Conditions:
Neurodevelopmental disorder with seizures and brain abnormalities. Identifiers: MedGen C5561979, MONDO:0859188, OMIM 619517.

Submission:

Hong-Tao Li Lab, Institute of Brain Science and Brain-inspired Research, Shandong First Medical University & Shandong Academy of Medical Sciences China
Classification: Uncertain significance for Neurodevelopmental disorder with seizures and brain abnormalities. Review status: no assertion criteria provided. Collection method: research. Allele origin: germline. Inheritance: Autosomal recessive inheritance. Affected: yes. Observed: 1 variant allele, 1 homozygote.
Comment: Observed in affected individuals from a Pakistani neurodevelopmental-disorder research cohort of 263 individuals. Classification assigned using the ACMG/AMP framework.